The following is an entry in ClinVar:

ClinVar aggregate classification (germline): Uncertain significance. Review status: criteria provided, multiple submitters, no conflicts (2 of 4 stars). 2 submissions from 2 submitters: Uncertain significance (2). Last evaluated 2022-10-26.

Conditions:
CAMTA1-related disorder. Also called: CAMTA1-related condition.
Cerebellar dysfunction with variable cognitive and behavioral abnormalities (CECBA). Also called: Nonprogressive cerebellar atxia with intellectual disability. Identifiers: Orphanet 314647, MedGen C3553661, MONDO:0013886, OMIM 614756.

Allele frequency attached by ClinVar (database versions not stated): TOPMed 0.00001.
gnomAD v4.1: 30 of 1,543,164 alleles (0.0019%); highest among the groups gnomAD compares: Non-Finnish European, 0.0023%; no homozygotes.

Submissions (2):

PreventionGenetics, part of Exact Sciences
Classification: Uncertain significance for CAMTA1-related condition. Last evaluated: 2022-10-26. Review status: criteria provided, single submitter. Criteria: ACMG Guidelines, 2015. Collection method: clinical testing. Allele origin: germline.
Comment: The CAMTA1 c.851G>A variant is predicted to result in the amino acid substitution p.Arg284His. To our knowledge, this variant has not been reported in the literature. This variant is reported in 0.0054% of alleles in individuals of European (Finnish) descent in gnomAD. At this time, the clinical significance of this variant is uncertain due to the absence of conclusive functional and genetic evidence.

Centre for Mendelian Genomics, University Medical Centre Ljubljana
Classification: Uncertain significance for Cerebellar dysfunction with variable cognitive and behavioral abnormalities. Last evaluated: 2019-03-01. Review status: criteria provided, single submitter. Criteria: ACMG Guidelines, 2015. Collection method: clinical testing. Allele origin: unknown. Affected: yes.
Comment: This variant was classified as: Uncertain significance. The available evidence on this variant's pathogenicity is insufficient or conflicting. The following ACMG criteria were applied in classifying this variant: PP3.

NM_015215.4(CAMTA1):c.851G>A (p.Arg284His)

Gene: CAMTA1 (calmodulin binding transcription activator 1; plus strand). Cytogenetic location: 1p36.23.
Variant type: single nucleotide variant.
Coding change: c.851G>A on transcript NM_015215.4 (MANE Select); coding-DNA position 851, G replaced by A.
Protein change: p.Arg284His; replaces arginine 284 with histidine.
Molecular consequence: missense variant.
Genome position (GRCh38, 1-based): chr1:7,663,398, G>A. VCF-style: chr1-7663398-G-A. GRCh37 (hg19) VCF-style: chr1-7723458-G-A.
Other names: c.761G>A, p.Arg254His (NM_001349608.2, NM_001349612.2); c.851G>A, p.Arg284His (NM_001349609.2, NM_001349610.2); short protein forms R284H, R254H.
Identifiers: ClinVar variation 931080 (VCV000931080.4), dbSNP rs767725186, ClinGen allele CA566311.